The following is an entry in ClinVar:

NM_024675.4(PALB2):c.20A>T (p.Lys7Met)

Gene: PALB2 (partner and localizer of BRCA2; minus strand). Cytogenetic location: 16p12.2.
Variant type: single nucleotide variant.
Coding change: c.20A>T on transcript NM_024675.4 (MANE Select); coding-DNA position 20, A replaced by T.
Protein change: p.Lys7Met; replaces lysine 7 with methionine.
Molecular consequence: missense variant.
Genome position (GRCh38, 1-based): chr16:23,641,138, T>A on the plus strand (A>T on the coding strand, the complement: PALB2 is on the minus strand). VCF-style: chr16-23641138-T-A. GRCh37 (hg19) VCF-style: chr16-23652459-T-A.
Other names: short protein forms K7M.
Identifiers: ClinVar variation 1018417 (VCV001018417.9), dbSNP rs947155109, ClinGen allele CA395141162.

ClinVar aggregate classification (germline): Uncertain significance (1 of 4 stars; one submission).

Conditions:
Familial cancer of breast. Also called: Hereditary breast cancer; BREAST CANCER, FAMILIAL; hereditary breast carcinoma. Identifiers: Orphanet 227535, MedGen C0346153, MONDO:0016419, OMIM 114480. Disease mechanism: loss of function.

Submission:

Labcorp Genetics (formerly Invitae), Labcorp
Classification: Uncertain significance for Familial cancer of breast. Last evaluated: 2020-06-22. Review status: criteria provided, single submitter. Criteria: Invitae Variant Classification Sherloc (09022015). Collection method: clinical testing. Allele origin: germline.
Comment: This variant has not been reported in the literature in individuals with PALB2-related conditions. In summary, the available evidence is currently insufficient to determine the role of this variant in disease. Therefore, it has been classified as a Variant of Uncertain Significance. Algorithms developed to predict the effect of missense changes on protein structure and function are either unavailable or do not agree on the potential impact of this missense change (SIFT: "Deleterious"; PolyPhen-2: "Probably Damaging"; Align-GVGD: "Class C0"). This variant is not present in population databases (ExAC no frequency). This sequence change replaces lysine with methionine at codon 7 of the PALB2 protein (p.Lys7Met). The lysine residue is moderately conserved and there is a moderate physicochemical difference between lysine and methionine.